The following is an entry in ClinVar:

NM_001276270.2(MBD4):c.1472G>A (p.Arg491Lys)

Gene: MBD4 (methyl-CpG binding domain 4, DNA glycosylase; minus strand). Cytogenetic location: 3q21.3.
Variant type: single nucleotide variant.
Coding change: c.1472G>A on transcript NM_001276270.2 (MANE Select); coding-DNA position 1472, G replaced by A.
Protein change: p.Arg491Lys; replaces arginine 491 with lysine.
Molecular consequence: missense variant.
Genome position (GRCh38, 1-based): chr3:129,433,169, C>T on the plus strand (G>A on the coding strand, the complement: MBD4 is on the minus strand). VCF-style: chr3-129433169-C-T. GRCh37 (hg19) VCF-style: chr3-129152012-C-T.
Other names: c.1490G>A, p.Arg497Lys (NM_001276271.2, NM_001276272.2, NM_003925.3); c.536G>A, p.Arg179Lys (NM_001276273.2); short protein forms R497K, R179K, R491K.
Identifiers: ClinVar variation 4052167 (VCV004052167.2).

ClinVar aggregate classification (germline): Uncertain significance. Review status: criteria provided, multiple submitters, no conflicts (2 of 4 stars). 2 submissions from 2 submitters: Uncertain significance (2). Last evaluated 2026-01-21.

Conditions:
Inborn genetic diseases. Identifiers: MedGen C0950123, MeSH D030342.

Submissions (2):

Labcorp Genetics (formerly Invitae), Labcorp
Classification: Uncertain significance. Last evaluated: 2026-01-21. Review status: criteria provided, single submitter. Criteria: Invitae Variant Classification Sherloc (09022015). Collection method: clinical testing. Allele origin: germline.
Comment: This sequence change replaces arginine, which is basic and polar, with lysine, which is basic and polar, at codon 497 of the MBD4 protein (p.Arg497Lys). This variant is not present in population databases (gnomAD no frequency). This variant has not been reported in the literature in individuals affected with MBD4-related conditions. ClinVar contains an entry for this variant (Variation ID: 4052167). An algorithm developed to predict the effect of missense changes on protein structure and function outputs the following: PolyPhen-2: "Benign". The lysine amino acid residue is found in multiple mammalian species, which suggests that this missense change does not adversely affect protein function. In summary, the available evidence is currently insufficient to determine the role of this variant in disease. Therefore, it has been classified as a Variant of Uncertain Significance.

Ambry Genetics
Classification: Uncertain significance for Inborn genetic diseases. Last evaluated: 2025-03-17. Review status: criteria provided, single submitter. Criteria: Ambry Variant Classification Scheme 2023. Collection method: clinical testing. Allele origin: germline.
Comment: The p.R491K variant (also known as c.1472G>A), located in coding exon 6 of the MBD4 gene, results from a G to A substitution at nucleotide position 1472. The arginine at codon 491 is replaced by lysine, an amino acid with highly similar properties. This amino acid position is conserved. In addition, this alteration is predicted to be tolerated by in silico analysis. Based on the available evidence, the clinical significance of this variant remains unclear.